The following is an entry in ClinVar:

ClinVar aggregate classification (germline): Uncertain significance (1 of 4 stars; one submission).

Submission:

Labcorp Genetics (formerly Invitae), Labcorp
Classification: Uncertain significance. Last evaluated: 2024-04-03. Review status: criteria provided, single submitter. Criteria: Invitae Variant Classification Sherloc (09022015). Collection method: clinical testing. Allele origin: germline.
Comment: This sequence change replaces leucine, which is neutral and non-polar, with proline, which is neutral and non-polar, at codon 135 of the FGF12 protein (p.Leu135Pro). This variant is not present in population databases (gnomAD no frequency). This variant has not been reported in the literature in individuals affected with FGF12-related conditions. Advanced modeling of protein sequence and biophysical properties (such as structural, functional, and spatial information, amino acid conservation, physicochemical variation, residue mobility, and thermodynamic stability) performed at Invitae indicates that this missense variant is expected to disrupt FGF12 protein function with a positive predictive value of 80%. In summary, the available evidence is currently insufficient to determine the role of this variant in disease. Therefore, it has been classified as a Variant of Uncertain Significance.

NM_004113.6(FGF12):c.218T>C (p.Leu73Pro)

Gene: FGF12 (fibroblast growth factor 12; minus strand). Cytogenetic location: 3q28.
Variant type: single nucleotide variant.
Coding change: c.218T>C on transcript NM_004113.6 (MANE Select); coding-DNA position 218, T replaced by C.
Protein change: p.Leu73Pro; replaces leucine 73 with proline.
Molecular consequence: missense variant.
Genome position (GRCh38, 1-based): chr3:192,335,371, A>G on the plus strand (T>C on the coding strand, the complement: FGF12 is on the minus strand). VCF-style: chr3-192335371-A-G. GRCh37 (hg19) VCF-style: chr3-192053160-A-G.
Other names: c.107T>C, p.Leu36Pro (NM_001377292.1); c.146T>C, p.Leu49Pro (NM_001377293.1, NM_001377294.1); c.404T>C, p.Leu135Pro (NM_021032.5); short protein forms L135P, L73P, L36P, L49P.
Identifiers: ClinVar variation 3019756 (VCV003019756.3), dbSNP rs2474335417, ClinGen allele CA355866320.